The following is an entry in ClinVar:

ClinVar aggregate classification (germline): Pathogenic/Likely pathogenic. Review status: criteria provided, multiple submitters, no conflicts (2 of 4 stars). 2 submissions from 2 submitters: Pathogenic (1); Likely pathogenic (1). Last evaluated 2025-04-01.

Conditions:
Hereditary cancer-predisposing syndrome. Also called: Neoplastic Syndromes, Hereditary; Hereditary neoplastic syndrome; Hereditary Cancer Syndrome; Tumor predisposition. Identifiers: Orphanet 140162, MedGen C0027672, MeSH D009386, MONDO:0015356.
Ataxia-telangiectasia syndrome (AT). Also called: ATAXIA-TELANGIECTASIA, FRESNO VARIANT; Ataxia-telangiectasia, complementation group D; Cerebello-oculocutaneous telangiectasia; Immunodeficiency with ataxia telangiectasia; Ataxia-telangiectasia; Ataxia telangiectasia (A-T). Identifiers: Orphanet 100, MedGen C0004135, MONDO:0008840, OMIM 208900.

Submissions (2):

Ambry Genetics
Classification: Likely pathogenic for Hereditary cancer-predisposing syndrome. Last evaluated: 2025-04-01. Review status: criteria provided, single submitter. Criteria: Ambry Variant Classification Scheme 2023. Collection method: clinical testing. Allele origin: germline.
Comment: The c.1899-1G>T intronic variant results from a G to T substitution one nucleotide upstream from coding exon 12 of the ATM gene. This nucleotide position is highly conserved in available vertebrate species. In silico splice site analysis predicts that this alteration will weaken the native splice acceptor site and will result in the creation or strengthening of a novel splice acceptor site; however, direct evidence is insufficient at this time (Ambry internal data). This variant is considered to be rare based on population cohorts in the Genome Aggregation Database (gnomAD). Alterations that disrupt the canonical splice site are expected to cause aberrant splicing, resulting in an abnormal protein or a transcript that is subject to nonsense-mediated mRNA decay. As such, this alteration is classified as likely pathogenic.

Labcorp Genetics (formerly Invitae), Labcorp
Classification: Pathogenic for Ataxia-telangiectasia syndrome. Last evaluated: 2024-05-08. Review status: criteria provided, single submitter. Criteria: Invitae Variant Classification Sherloc (09022015). Collection method: clinical testing. Allele origin: germline.
Comment: This sequence change affects an acceptor splice site in intron 12 of the ATM gene. RNA analysis indicates that disruption of this splice site induces altered splicing and may result in an absent or disrupted protein product. This variant is not present in population databases (gnomAD no frequency). Disruption of this splice site has been observed in individual(s) with ataxia-telangiectasia (PMID: 11298136). In at least one individual the data is consistent with being in trans (on the opposite chromosome) from a pathogenic variant. ClinVar contains an entry for this variant (Variation ID: 655507). Studies have shown that disruption of this splice site results in activation of cryptic splice site and introduces a premature termination codon (PMID: 11298136). The resulting mRNA is expected to undergo nonsense-mediated decay. For these reasons, this variant has been classified as Pathogenic.

Literature cited by the submitters: PubMed 11298136 (cited by Labcorp Genetics (formerly Invitae), Labcorp).

NM_000051.4(ATM):c.1899-1G>T

Gene: ATM (ATM serine/threonine kinase; plus strand). Cytogenetic location: 11q22.3.
Variant type: single nucleotide variant.
Coding change: c.1899-1G>T on transcript NM_000051.4 (MANE Select); the canonical splice acceptor site of the intron before coding-DNA position 1899, G replaced by T.
Molecular consequence: splice acceptor variant.
Genome position (GRCh38, 1-based): chr11:108,253,813, G>T. VCF-style: chr11-108253813-G-T. GRCh37 (hg19) VCF-style: chr11-108124540-G-T.
Other names: c.1899-1G>T (NM_001351834.2).
Identifiers: ClinVar variation 655507 (VCV000655507.15), dbSNP rs1555073065, ClinGen allele CA382536249.